The following is an entry in ClinVar:

NM_024753.5(TTC21B):c.969A>T (p.Gln323His)

Gene: TTC21B (tetratricopeptide repeat domain 21B; minus strand). Cytogenetic location: 2q24.3.
Variant type: single nucleotide variant.
Coding change: c.969A>T on transcript NM_024753.5 (MANE Select); coding-DNA position 969, A replaced by T.
Protein change: p.Gln323His; replaces glutamine 323 with histidine.
Molecular consequence: missense variant.
Genome position (GRCh38, 1-based): chr2:165,930,290, T>A on the plus strand (A>T on the coding strand, the complement: TTC21B is on the minus strand). VCF-style: chr2-165930290-T-A. GRCh37 (hg19) VCF-style: chr2-166786800-T-A.
Other names: short protein forms Q323H.
Identifiers: ClinVar variation 3346800 (VCV003346800.1).

ClinVar aggregate classification (germline): Uncertain significance (0 of 4 stars; one submission).

Conditions:
TTC21B-related disorder. Also called: TTC21B-related disorders; TTC21B-related condition.

Submission:

PreventionGenetics, part of Exact Sciences
Classification: Uncertain significance for TTC21B-related condition. Last evaluated: 2024-08-06. Review status: no assertion criteria provided. Collection method: clinical testing. Allele origin: germline.
Comment: The TTC21B c.969A>T variant is predicted to result in the amino acid substitution p.Gln323His. To our knowledge, this variant has not been reported in the literature or in a large population database, indicating this variant is rare. At this time, the clinical significance of this variant is uncertain due to the absence of conclusive functional and genetic evidence.